The following is an entry in ClinVar:

ClinVar aggregate classification (germline): Likely benign. Review status: criteria provided, multiple submitters, no conflicts (2 of 4 stars). 4 submissions from 4 submitters: Likely benign (4). Last evaluated 2025-12-08.

Conditions:
WDR81-related disorder. Also called: WDR81-related condition.

Allele frequency attached by ClinVar (database versions not stated): TOPMed 0.00017; gnomAD 0.00024 and 0.00025; gnomAD exomes 0.00027; ESP Exome Variant Server 0.00031; ExAC 0.00038.
gnomAD v4.1: 385 of 1,604,616 alleles (0.024%); highest among the groups gnomAD compares: Non-Finnish European, 0.03%; no homozygotes.

Submissions (4):

PreventionGenetics, part of Exact Sciences
Classification: Likely benign for WDR81-related condition. Last evaluated: 2025-12-08. Review status: criteria provided, single submitter. Criteria: ACMG Guidelines, 2015. Collection method: clinical testing. Allele origin: germline.
Comment: This variant is classified as likely benign based on ACMG/AMP sequence variant interpretation guidelines (Richards et al. 2015 PMID: 25741868, with internal and published modifications).

Blueprint Genetics
Classification: Likely benign. Last evaluated: 2024-10-24. Review status: criteria provided, single submitter. Criteria: ACMG Guidelines, 2015. Collection method: clinical testing. Allele origin: germline.

CeGaT Center for Human Genetics Tuebingen
Classification: Likely benign. Last evaluated: 2023-12-01. Review status: criteria provided, single submitter. Criteria: CeGaT Center For Human Genetics Tuebingen Variant Classification Criteria Version 2. Collection method: clinical testing. Allele origin: germline. Affected: yes. Observed: 2 variant alleles.
Comment: WDR81: BP4, BP7

Labcorp Genetics (formerly Invitae), Labcorp
Classification: Likely benign. Last evaluated: 2019-12-31. Review status: criteria provided, single submitter. Criteria: Invitae Variant Classification Sherloc (09022015). Collection method: clinical testing. Allele origin: germline.

NM_001163809.2(WDR81):c.5040C>T (p.Tyr1680=)

Gene: WDR81 (WD repeat domain 81; plus strand). Cytogenetic location: 17p13.3.
Variant type: single nucleotide variant.
Coding change: c.5040C>T on transcript NM_001163809.2 (MANE Select); coding-DNA position 5040, C replaced by T.
Protein change: p.Tyr1680=; no amino-acid change (tyrosine 1680 retained).
Molecular consequence: synonymous variant.
Genome position (GRCh38, 1-based): chr17:1,734,077, C>T. VCF-style: chr17-1734077-C-T. GRCh37 (hg19) VCF-style: chr17-1637371-C-T.
Other names: c.1431C>T, p.Tyr477= (NM_001163673.2); c.1359C>T, p.Tyr453= (NM_001163811.2); c.1887C>T, p.Tyr629= (NM_152348.4).
Identifiers: ClinVar variation 725470 (VCV000725470.35), dbSNP rs367672346, ClinGen allele CA8273740.
Genomic context (GRCh38, chr17:1,734,077, plus strand): 5'-GGACTTCTTCCTGAGCGGCAGCAAGGATCGTACCGTGCGCCTCTGGCCGCTGTACAACTA[C>T]GGCGACGGGACCAGCGAGACGGCCCCACGCCTCGTCTACACCCAGCACCGCAAGAGCGTC-3'
Protein context (NP_001157281.1, residues 1670-1690): RTVRLWPLYN[Tyr1680=]GDGTSETAPR